The following is an entry in ClinVar:

NM_000260.4(MYO7A):c.655A>G (p.Ile219Val)

Gene: MYO7A (myosin VIIA; plus strand). Cytogenetic location: 11q13.5.
Variant type: single nucleotide variant.
Coding change: c.655A>G on transcript NM_000260.4 (MANE Select); coding-DNA position 655, A replaced by G.
Protein change: p.Ile219Val; replaces isoleucine 219 with valine.
Molecular consequence: missense variant.
Genome position (GRCh38, 1-based): chr11:77,156,924, A>G. VCF-style: chr11-77156924-A-G. GRCh37 (hg19) VCF-style: chr11-76867970-A-G.
Other names: c.655A>G, p.Ile219Val (NM_001127180.2); c.622A>G, p.Ile208Val (NM_001369365.1); short protein forms I208V, I219V.
Identifiers: ClinVar variation 1046413 (VCV001046413.8), dbSNP rs1952523254, ClinGen allele CA381932150.

ClinVar aggregate classification (germline): Uncertain significance (1 of 4 stars; one submission).

Submission:

Labcorp Genetics (formerly Invitae), Labcorp
Classification: Uncertain significance. Last evaluated: 2023-09-03. Review status: criteria provided, single submitter. Criteria: Invitae Variant Classification Sherloc (09022015). Collection method: clinical testing. Allele origin: germline.
Comment: In summary, the available evidence is currently insufficient to determine the role of this variant in disease. Therefore, it has been classified as a Variant of Uncertain Significance. Advanced modeling of protein sequence and biophysical properties (such as structural, functional, and spatial information, amino acid conservation, physicochemical variation, residue mobility, and thermodynamic stability) performed at Invitae indicates that this missense variant is not expected to disrupt MYO7A protein function. ClinVar contains an entry for this variant (Variation ID: 1046413). This variant has not been reported in the literature in individuals affected with MYO7A-related conditions. This variant is not present in population databases (gnomAD no frequency). This sequence change replaces isoleucine, which is neutral and non-polar, with valine, which is neutral and non-polar, at codon 219 of the MYO7A protein (p.Ile219Val).